The following is an entry in ClinVar:

NM_020686.6(ABAT):c.64G>C (p.Val22Leu)

Gene: ABAT (4-aminobutyrate aminotransferase; plus strand). Cytogenetic location: 16p13.2.
Variant type: single nucleotide variant.
Coding change: c.64G>C on transcript NM_020686.6 (MANE Select); coding-DNA position 64, G replaced by C.
Protein change: p.Val22Leu; replaces valine 22 with leucine.
Molecular consequence: missense variant. On other transcripts: intron variant (3).
Genome position (GRCh38, 1-based): chr16:8,735,803, G>C. VCF-style: chr16-8735803-G-C. GRCh37 (hg19) VCF-style: chr16-8829660-G-C.
Other names: c.64G>C, p.Val22Leu (NM_000663.5, NM_001127448.2, NM_001386600.1 and 13 more transcripts); c.-65-10198G>C (NM_001386611.1, NM_001386612.1, NM_001386613.1); c.64G>C (NM_020686.5); short protein forms V22L.
Identifiers: ClinVar variation 1443124 (VCV001443124.5), dbSNP rs762710511, ClinGen allele CA7892925.

ClinVar aggregate classification (germline): Uncertain significance. Review status: criteria provided, multiple submitters, no conflicts (2 of 4 stars). 2 submissions from 2 submitters: Uncertain significance (2). Last evaluated 2025-09-22.

Conditions:
Gamma-aminobutyric acid transaminase deficiency (GABATD). Also called: GABA transaminase deficiency; Gamma aminobutyrate transaminase deficiency; 4 alpha aminobutyrate transaminase deficiency; GABA aminotransaminase deficiency. Identifiers: Orphanet 2066, MedGen C0342708, MONDO:0013166, OMIM 613163.
Inborn genetic diseases. Identifiers: MedGen C0950123, MeSH D030342.

Allele frequency attached by ClinVar (database versions not stated): gnomAD exomes below 0.00001; gnomAD 0.00001; TOPMed 0.00002.
gnomAD v4.1: 8 of 1,603,704 alleles (0.0005%); highest among the groups gnomAD compares: African/African-American, 0.004%; no homozygotes.

Submissions (2):

Ambry Genetics
Classification: Uncertain significance for Inborn genetic diseases. Last evaluated: 2025-09-22. Review status: criteria provided, single submitter. Criteria: Ambry Variant Classification Scheme 2023. Collection method: clinical testing. Allele origin: germline.

Labcorp Genetics (formerly Invitae), Labcorp
Classification: Uncertain significance for Gamma-aminobutyric acid transaminase deficiency. Last evaluated: 2022-01-26. Review status: criteria provided, single submitter. Criteria: Invitae Variant Classification Sherloc (09022015). Collection method: clinical testing. Allele origin: germline.
Comment: In summary, the available evidence is currently insufficient to determine the role of this variant in disease. Therefore, it has been classified as a Variant of Uncertain Significance. Algorithms developed to predict the effect of missense changes on protein structure and function (SIFT, PolyPhen-2, Align-GVGD) all suggest that this variant is likely to be tolerated. This variant has not been reported in the literature in individuals affected with ABAT-related conditions. This variant is present in population databases (rs762710511, gnomAD 0.002%). This sequence change replaces valine, which is neutral and non-polar, with leucine, which is neutral and non-polar, at codon 22 of the ABAT protein (p.Val22Leu).